The following is an entry in ClinVar:

NM_004698.4(PRPF3):c.1897G>C (p.Val633Leu)

Gene: PRPF3 (pre-mRNA processing factor 3; plus strand). Cytogenetic location: 1q21.2.
Variant type: single nucleotide variant.
Coding change: c.1897G>C on transcript NM_004698.4 (MANE Select); coding-DNA position 1897, G replaced by C.
Protein change: p.Val633Leu; replaces valine 633 with leucine.
Molecular consequence: missense variant. On other transcripts: non-coding transcript variant (4).
Genome position (GRCh38, 1-based): chr1:150,349,210, G>C. VCF-style: chr1-150349210-G-C. GRCh37 (hg19) VCF-style: chr1-150321686-G-C.
Other names: c.1897G>C (NM_004698.2); c.1492G>C, p.Val498Leu (NM_001350529.1); short protein forms V498L, V633L.
Identifiers: ClinVar variation 1164914 (VCV001164914.12), dbSNP rs141881079, ClinGen allele CA1075732.

ClinVar aggregate classification (germline): Benign/Likely benign. Review status: criteria provided, multiple submitters, no conflicts (2 of 4 stars). 4 submissions from 4 submitters: Benign (3); Likely benign (1). Last evaluated 2025-12-22.

Conditions:
Retinal dystrophy. Also called: Inherited retinal dystrophy. Identifiers: Orphanet 71862, MedGen C0854723, MeSH D058499, MONDO:0019118, HP:0000556.
PRPF3-related disorder. Also called: PRPF3-related condition.

Allele frequency attached by ClinVar (database versions not stated): gnomAD 0.00004 and 0.00007; TOPMed 0.00005; gnomAD exomes 0.00007 and 0.00030; ExAC 0.00026; 1000 Genomes Project 30x 0.00031; 1000 Genomes Project 0.00040.

Submissions (4):

Labcorp Genetics (formerly Invitae), Labcorp
Classification: Benign. Last evaluated: 2025-12-22. Review status: criteria provided, single submitter. Criteria: Invitae Variant Classification Sherloc (09022015). Collection method: clinical testing. Allele origin: germline.

PreventionGenetics, part of Exact Sciences
Classification: Benign for PRPF3-related condition. Last evaluated: 2025-01-31. Review status: criteria provided, single submitter. Criteria: ACMG Guidelines, 2015. Collection method: clinical testing. Allele origin: germline.
Comment: This variant is classified as benign based on ACMG/AMP sequence variant interpretation guidelines (Richards et al. 2015 PMID: 25741868, with internal and published modifications).

Blueprint Genetics
Classification: Likely benign. Last evaluated: 2024-02-13. Review status: criteria provided, single submitter. Criteria: ACMG Guidelines, 2015. Collection method: clinical testing. Allele origin: germline.

Dept Of Ophthalmology, Nagoya University
Classification: Benign for Retinal dystrophy. Last evaluated: 2023-10-01. Review status: criteria provided, single submitter. Criteria: Submitter's publication. Collection method: research. Allele origin: germline. Affected: yes.